The following is an entry in ClinVar:

ClinVar aggregate classification (germline): Likely benign. Review status: criteria provided, single submitter (1 of 4 stars). 2 submissions from 2 submitters: Likely benign (1). 1 of the submissions does not count toward it. Last evaluated 2022-12-13.

Conditions:
NTRK2-related disorder. Also called: NTRK2-related condition.

Allele frequency attached by ClinVar (database versions not stated): gnomAD exomes below 0.00001; gnomAD 0.00002; TOPMed 0.00004; ESP Exome Variant Server 0.00008.
gnomAD v4.1: 4 of 1,610,866 alleles (0.00025%); highest among the groups gnomAD compares: African/African-American, 0.0053%; no homozygotes.

Submissions (2):

Labcorp Genetics (formerly Invitae), Labcorp
Classification: Likely benign. Last evaluated: 2022-12-13. Review status: criteria provided, single submitter. Criteria: Invitae Variant Classification Sherloc (09022015). Collection method: clinical testing. Allele origin: germline.

PreventionGenetics, part of Exact Sciences
Classification: Likely benign for NTRK2-related condition. Last evaluated: 2021-08-23. Review status: no assertion criteria provided. Collection method: clinical testing. Allele origin: germline. Not counted in ClinVar's aggregate classification.
Comment: This variant is classified as likely benign based on ACMG/AMP sequence variant interpretation guidelines (Richards et al. 2015 PMID: 25741868, with internal and published modifications).

NM_006180.6(NTRK2):c.1633+7A>G

Gene: NTRK2 (neurotrophic receptor tyrosine kinase 2; plus strand). Cytogenetic location: 9q21.33.
Variant type: single nucleotide variant.
Coding change: c.1633+7A>G on transcript NM_006180.6 (MANE Select); 7 bases into the intron after coding-DNA position 1633, A replaced by G.
Molecular consequence: intron variant.
Genome position (GRCh38, 1-based): chr9:84,867,438, A>G. VCF-style: chr9-84867438-A-G. GRCh37 (hg19) VCF-style: chr9-87482353-A-G.
Other names: c.1633+7A>G (NM_006180.4, NM_001369537.1, NM_001018065.2); c.1585+7A>G (NM_001369532.1, NM_001369533.1, NM_001018066.3 and 2 more transcripts); c.1549+7A>G (NM_001369534.1); c.1165+7A>G (NM_001369536.1); c.1117+7A>G (NM_001369535.1).
Identifiers: ClinVar variation 1594935 (VCV001594935.11), dbSNP rs367882845, ClinGen allele CA195792457.